The following is an entry in ClinVar:

NM_005458.8(GABBR2):c.1228G>A (p.Gly410Arg)

Gene: GABBR2 (gamma-aminobutyric acid type B receptor subunit 2; minus strand). Cytogenetic location: 9q22.33.
Variant type: single nucleotide variant.
Coding change: c.1228G>A on transcript NM_005458.8 (MANE Select); coding-DNA position 1228, G replaced by A.
Protein change: p.Gly410Arg; replaces glycine 410 with arginine.
Molecular consequence: missense variant.
Genome position (GRCh38, 1-based): chr9:98,453,989, C>T on the plus strand (G>A on the coding strand, the complement: GABBR2 is on the minus strand). VCF-style: chr9-98453989-C-T. GRCh37 (hg19) VCF-style: chr9-101216271-C-T.
Other names: short protein forms G410R.
Identifiers: ClinVar variation 2821027 (VCV002821027.3), dbSNP rs2491622961, ClinGen allele CA374350296.

ClinVar aggregate classification (germline): Uncertain significance (1 of 4 stars; one submission).

Conditions:
Epileptic encephalopathy. Identifiers: MedGen C0543888, HP:0200134.

Allele frequency attached by ClinVar (database versions not stated): gnomAD exomes below 0.00001.
gnomAD v4.1: 2 of 1,611,686 alleles (0.00012%); highest among the groups gnomAD compares: Non-Finnish European, 0.00017%; no homozygotes.

Submission:

Labcorp Genetics (formerly Invitae), Labcorp
Classification: Uncertain significance for Epileptic encephalopathy. Last evaluated: 2025-02-12. Review status: criteria provided, single submitter. Criteria: Invitae Variant Classification Sherloc (09022015). Collection method: clinical testing. Allele origin: germline.
Comment: This sequence change replaces glycine, which is neutral and non-polar, with arginine, which is basic and polar, at codon 410 of the GABBR2 protein (p.Gly410Arg). This variant is not present in population databases (gnomAD no frequency). This variant has not been reported in the literature in individuals affected with GABBR2-related conditions. ClinVar contains an entry for this variant (Variation ID: 2821027). Invitae Evidence Modeling of protein sequence and biophysical properties (such as structural, functional, and spatial information, amino acid conservation, physicochemical variation, residue mobility, and thermodynamic stability) indicates that this missense variant is expected to disrupt GABBR2 protein function with a positive predictive value of 80%. In summary, the available evidence is currently insufficient to determine the role of this variant in disease. Therefore, it has been classified as a Variant of Uncertain Significance.